The following is an entry in ClinVar:

ClinVar aggregate classification (germline): Uncertain significance. Review status: criteria provided, multiple submitters, no conflicts (2 of 4 stars). 2 submissions from 2 submitters: Uncertain significance (2). Last evaluated 2025-11-12.

Conditions:
Inborn genetic diseases. Identifiers: MedGen C0950123, MeSH D030342.

Allele frequency attached by ClinVar (database versions not stated): ExAC 0.00002; gnomAD exomes 0.00003; TOPMed 0.00003; gnomAD 0.00007.
gnomAD v4.1: 54 of 1,610,906 alleles (0.0034%); highest among the groups gnomAD compares: Non-Finnish European, 0.0043%; no homozygotes.

Submissions (2):

Labcorp Genetics (formerly Invitae), Labcorp
Classification: Uncertain significance. Last evaluated: 2025-11-12. Review status: criteria provided, single submitter. Criteria: Invitae Variant Classification Sherloc (09022015). Collection method: clinical testing. Allele origin: germline.
Comment: This sequence change replaces arginine, which is basic and polar, with tryptophan, which is neutral and slightly polar, at codon 319 of the HELLS protein (p.Arg319Trp). This variant is present in population databases (rs555694666, gnomAD 0.008%). This variant has not been reported in the literature in individuals affected with HELLS-related conditions. ClinVar contains an entry for this variant (Variation ID: 2342177). An algorithm developed to predict the effect of missense changes on protein structure and function (PolyPhen-2) suggests that this variant is likely to be disruptive. In summary, the available evidence is currently insufficient to determine the role of this variant in disease. Therefore, it has been classified as a Variant of Uncertain Significance.

Ambry Genetics
Classification: Uncertain significance for Inborn genetic diseases. Last evaluated: 2021-11-22. Review status: criteria provided, single submitter. Criteria: Ambry Variant Classification Scheme 2023. Collection method: clinical testing. Allele origin: germline.

NM_018063.5(HELLS):c.955C>T (p.Arg319Trp)

Gene: HELLS (helicase, lymphoid specific; plus strand). Cytogenetic location: 10q23.33.
Variant type: single nucleotide variant.
Coding change: c.955C>T on transcript NM_018063.5 (MANE Select); coding-DNA position 955, C replaced by T.
Protein change: p.Arg319Trp; replaces arginine 319 with tryptophan.
Molecular consequence: missense variant. On other transcripts: 5 prime UTR variant (1), intron variant (3).
Genome position (GRCh38, 1-based): chr10:94,576,728, C>T. VCF-style: chr10-94576728-C-T. GRCh37 (hg19) VCF-style: chr10-96336485-C-T.
Other names: c.955C>T, p.Arg319Trp (NM_001289067.2, NM_001289070.2); c.907C>T, p.Arg303Trp (NM_001289068.2); c.583C>T, p.Arg195Trp (NM_001289071.2); c.541C>T, p.Arg181Trp (NM_001289073.2); c.-67C>T (NM_001289075.2); c.-67+19C>T (NM_001289074.2); c.936+19C>T (NM_001289069.2, NM_001289072.2); short protein forms R319W, R303W, R195W, R181W.
Identifiers: ClinVar variation 2342177 (VCV002342177.3), dbSNP rs555694666, ClinGen allele CA5615389.
Genomic context (GRCh38, chr10:94,576,728, plus strand): 5'-ACAATGTTATATCATGGAACCCAGGAGGAACGTCAAAAATTGGTAAGAAATATTTACAAA[C>T]GGAAAGGGACTTTGCAGATTCATCCTGTGGTAATCACGTCATTTGAAATAGCCATGAGAG-3'
Protein context (NP_060533.2, residues 309-329): RQKLVRNIYK[Arg319Trp]KGTLQIHPVV